The following is an entry in ClinVar:

ClinVar aggregate classification (germline): Uncertain significance (1 of 4 stars; one submission).

gnomAD v4.1: 4 of 1,575,352 alleles (0.00025%); highest among the groups gnomAD compares: South Asian, 0.0011%; no homozygotes.

Submission:

Labcorp Genetics (formerly Invitae), Labcorp
Classification: Uncertain significance. Last evaluated: 2025-03-13. Review status: criteria provided, single submitter. Criteria: Invitae Variant Classification Sherloc (09022015). Collection method: clinical testing. Allele origin: germline.
Comment: This sequence change replaces tryptophan, which is neutral and slightly polar, with cysteine, which is neutral and slightly polar, at codon 12 of the HTRA2 protein (p.Trp12Cys). This variant is present in population databases (rs775840965, gnomAD 0.002%). This variant has not been reported in the literature in individuals affected with HTRA2-related conditions. An algorithm developed to predict the effect of missense changes on protein structure and function outputs the following: PolyPhen-2: "Benign". The cysteine amino acid residue is found in multiple mammalian species, which suggests that this missense change does not adversely affect protein function. In summary, the available evidence is currently insufficient to determine the role of this variant in disease. Therefore, it has been classified as a Variant of Uncertain Significance.

NM_013247.5(HTRA2):c.36G>C (p.Trp12Cys)

Gene: HTRA2 (HtrA serine peptidase 2; plus strand). Cytogenetic location: 2p13.1.
Variant type: single nucleotide variant.
Coding change: c.36G>C on transcript NM_013247.5 (MANE Select); coding-DNA position 36, G replaced by C.
Protein change: p.Trp12Cys; replaces tryptophan 12 with cysteine.
Molecular consequence: missense variant. On other transcripts: non-coding transcript variant (1).
Genome position (GRCh38, 1-based): chr2:74,530,042, G>C. VCF-style: chr2-74530042-G-C. GRCh37 (hg19) VCF-style: chr2-74757169-G-C.
Other names: c.36G>C, p.Trp12Cys (NM_001321727.1, NM_001321728.1, NM_145074.2); short protein forms W12C.
Identifiers: ClinVar variation 4692191 (VCV004692191.1).